The following is an entry in ClinVar:

ClinVar aggregate classification (germline): Uncertain significance (1 of 4 stars; one submission).

gnomAD v4.1: 1 of 1,614,116 alleles (0.000062%); highest among the groups gnomAD compares: African/African-American, 0.0013%; no homozygotes.

Submission:

Mayo Clinic Laboratories, Mayo Clinic
Classification: Uncertain significance. Last evaluated: 2025-05-08. Review status: criteria provided, single submitter. Criteria: ACMG Guidelines, 2015. Collection method: clinical testing. Allele origin: germline. Observed: 1 variant allele.
Comment: PM2_supporting

NM_003114.5(SPAG1):c.2447T>C (p.Leu816Pro)

Gene: SPAG1 (sperm associated antigen 1; plus strand). Cytogenetic location: 8q22.2.
Variant type: single nucleotide variant.
Coding change: c.2447T>C on transcript NM_003114.5 (MANE Select); coding-DNA position 2447, T replaced by C.
Protein change: p.Leu816Pro; replaces leucine 816 with proline.
Molecular consequence: missense variant.
Genome position (GRCh38, 1-based): chr8:100,240,569, T>C. VCF-style: chr8-100240569-T-C. GRCh37 (hg19) VCF-style: chr8-101252797-T-C.
Other names: p.Leu816Pro; c.2447T>C, p.Leu816Pro (NM_001374321.1, NM_172218.3); short protein forms L816P.
Identifiers: ClinVar variation 4541393 (VCV004541393.1).
Genomic context (GRCh38, chr8:100,240,569, plus strand): 5'-AGAAACTTCCGATAGCCAAGCCTAATAATGCCTATGAATTTGGTCAGATTATAAATGCTC[T>C]CAGTACCAGGAAGGATAAAGAAGCCTGTGCACATCTTTTAGCCATCACTGCACCAAAAGA-3'
Protein context (NP_003105.2, residues 806-826): AYEFGQIINA[Leu816Pro]STRKDKEACA